The following is an entry in ClinVar:

NM_004187.5(KDM5C):c.*193G>C

Gene: KDM5C (lysine demethylase 5C; minus strand). Cytogenetic location: Xp11.22.
Variant type: single nucleotide variant.
Coding change: c.*193G>C on transcript NM_004187.5 (MANE Select); 193 bases downstream of the stop codon, G replaced by C.
Molecular consequence: 3 prime UTR variant. On other transcripts: synonymous variant (1), intron variant (4).
Genome position (GRCh38, 1-based): chrX:53,192,774, C>G on the plus strand (G>C on the coding strand, the complement: KDM5C is on the minus strand). VCF-style: chrX-53192774-C-G. GRCh37 (hg19) VCF-style: chrX-53221956-C-G.
Other names: c.4110G>C, p.Gly1370= (NM_001146702.2); c.*193G>C (NM_001282622.3, NM_001353978.3); c.4305+663G>C (NM_001353982.2); c.4314+663G>C (NM_001353979.2); c.4308+663G>C (NM_001353981.2, NM_001353984.2).
Identifiers: ClinVar variation 3388893 (VCV003388893.14).

ClinVar aggregate classification (germline): Likely benign (1 of 4 stars; one submission).

Submission:

CeGaT Center for Human Genetics Tuebingen
Classification: Likely benign. Last evaluated: 2024-10-01. Review status: criteria provided, single submitter. Criteria: CeGaT Center For Human Genetics Tuebingen Variant Classification Criteria Version 2. Collection method: clinical testing. Allele origin: germline. Affected: yes. Observed: 1 variant allele.
Comment: KDM5C: PM2:Supporting, BP4, BP7